The following is an entry in ClinVar:

NM_198578.4(LRRK2):c.3203A>G (p.Asn1068Ser)

Gene: LRRK2 (leucine rich repeat kinase 2; plus strand). Cytogenetic location: 12q12.
Variant type: single nucleotide variant.
Coding change: c.3203A>G on transcript NM_198578.4 (MANE Select); coding-DNA position 3203, A replaced by G.
Protein change: p.Asn1068Ser; replaces asparagine 1068 with serine.
Molecular consequence: missense variant.
Genome position (GRCh38, 1-based): chr12:40,298,349, A>G. VCF-style: chr12-40298349-A-G. GRCh37 (hg19) VCF-style: chr12-40692151-A-G.
Other names: short protein forms N1068S.
Identifiers: ClinVar variation 2562414 (VCV002562414.4), dbSNP rs2499745764, ClinGen allele CA384414549.

ClinVar aggregate classification (germline): Uncertain significance. Review status: criteria provided, multiple submitters, no conflicts (2 of 4 stars). 2 submissions from 2 submitters: Uncertain significance (2). Last evaluated 2024-10-09.

Conditions:
Inborn genetic diseases. Identifiers: MedGen C0950123, MeSH D030342.
Autosomal dominant Parkinson disease 8. Also called: LRRK2-Related Parkinson Disease; Parkinson disease 8; Parkinson disease 8, susceptibility to. Identifiers: Orphanet 411602, MedGen C1846862, MONDO:0011764, OMIM 607060.

Allele frequency attached by ClinVar (database versions not stated): gnomAD exomes 0.00001.
gnomAD v4.1: 5 of 1,613,984 alleles (0.00031%); highest among the groups gnomAD compares: Non-Finnish European, 0.00042%; no homozygotes.

Submissions (2):

Labcorp Genetics (formerly Invitae), Labcorp
Classification: Uncertain significance for Autosomal dominant Parkinson disease 8. Last evaluated: 2024-10-09. Review status: criteria provided, single submitter. Criteria: Invitae Variant Classification Sherloc (09022015). Collection method: clinical testing. Allele origin: germline.
Comment: This sequence change replaces asparagine, which is neutral and polar, with serine, which is neutral and polar, at codon 1068 of the LRRK2 protein (p.Asn1068Ser). This variant is not present in population databases (gnomAD no frequency). This variant has not been reported in the literature in individuals affected with LRRK2-related conditions. ClinVar contains an entry for this variant (Variation ID: 2562414). Invitae Evidence Modeling of protein sequence and biophysical properties (such as structural, functional, and spatial information, amino acid conservation, physicochemical variation, residue mobility, and thermodynamic stability) has been performed for this missense variant. However, the output from this modeling did not meet the statistical confidence thresholds required to predict the impact of this variant on LRRK2 protein function. In summary, the available evidence is currently insufficient to determine the role of this variant in disease. Therefore, it has been classified as a Variant of Uncertain Significance.

Ambry Genetics
Classification: Uncertain significance for Inborn genetic diseases. Last evaluated: 2023-04-30. Review status: criteria provided, single submitter. Criteria: Ambry Variant Classification Scheme 2023. Collection method: clinical testing. Allele origin: germline.
Comment: The p.N1068S variant (also known as c.3203A>G), located in coding exon 24 of the LRRK2 gene, results from an A to G substitution at nucleotide position 3203. The asparagine at codon 1068 is replaced by serine, an amino acid with highly similar properties. This amino acid position is conserved. In addition, this alteration is predicted to be tolerated by in silico analysis. Since supporting evidence is limited at this time, the clinical significance of this alteration remains unclear.